The following is an entry in ClinVar:

NM_205836.3(FBXO38):c.1310G>T (p.Cys437Phe)

Gene: FBXO38 (F-box protein 38; plus strand). Cytogenetic location: 5q32.
Variant type: single nucleotide variant.
Coding change: c.1310G>T on transcript NM_205836.3 (MANE Select); coding-DNA position 1310, G replaced by T.
Protein change: p.Cys437Phe; replaces cysteine 437 with phenylalanine.
Molecular consequence: missense variant.
Genome position (GRCh38, 1-based): chr5:148,415,973, G>T. VCF-style: chr5-148415973-G-T. GRCh37 (hg19) VCF-style: chr5-147795536-G-T.
Other names: c.1310G>T, p.Cys437Phe (NM_001271723.2, NM_030793.5); short protein forms C437F.
Identifiers: ClinVar variation 541022 (VCV000541022.10), dbSNP rs1554080351, ClinGen allele CA361659057.
Genomic context (GRCh38, chr5:148,415,973, plus strand): 5'-TCATTTCTTTAACAGACCACTCAAGATGGACTCGATTGGTTGATATCAACCTAGTACGGT[G>T]CCATGCTTTGAAGCTGGACTCTTTTGGCCAGTTTATTGAATTATTACCCAGCCTAGAGTT-3'
Protein context (NP_995308.1, residues 427-447): TRLVDINLVR[Cys437Phe]HALKLDSFGQ

ClinVar aggregate classification (germline): Uncertain significance (1 of 4 stars; one submission).

Conditions:
Distal hereditary motor neuropathy type 2. Identifiers: Orphanet 139525, MedGen C3711384, MeSH C580044, MONDO:0015352.

Submission:

Labcorp Genetics (formerly Invitae), Labcorp
Classification: Uncertain significance for Distal hereditary motor neuropathy type 2. Last evaluated: 2020-06-28. Review status: criteria provided, single submitter. Criteria: Invitae Variant Classification Sherloc (09022015). Collection method: clinical testing. Allele origin: germline.
Comment: In summary, the available evidence is currently insufficient to determine the role of this variant in disease. Therefore, it has been classified as a Variant of Uncertain Significance. Algorithms developed to predict the effect of missense changes on protein structure and function do not agree on the potential impact of this missense change (SIFT: "Deleterious"; PolyPhen-2: "Probably Damaging"; Align-GVGD: "Class C0"). This variant has not been reported in the literature in individuals with FBXO38-related disease. This variant is not present in population databases (ExAC no frequency). This sequence change replaces cysteine with phenylalanine at codon 437 of the FBXO38 protein (p.Cys437Phe). The cysteine residue is highly conserved and there is a large physicochemical difference between cysteine and phenylalanine.